The following is an entry in ClinVar:

ClinVar aggregate classification (germline): Pathogenic (1 of 4 stars; one submission).

Conditions:
Neurofibromatosis, type 1 (NF1). Also called: VON RECKLINGHAUSEN DISEASE; Neurofibromatosis, type I; NEUROFIBROMATOSIS, TYPE I, SOMATIC; Peripheral type neurofibromatosis. Identifiers: Orphanet 636, MedGen C0027831, MONDO:0018975, OMIM 162200. Disease mechanism: loss of function.

Submission:

Labcorp Genetics (formerly Invitae), Labcorp
Classification: Pathogenic for Neurofibromatosis, type 1. Last evaluated: 2023-10-06. Review status: criteria provided, single submitter. Criteria: Invitae Variant Classification Sherloc (09022015). Collection method: clinical testing. Allele origin: germline.
Comment: This sequence change creates a premature translational stop signal (p.Asn2411Glufs*16) in the NF1 gene. It is expected to result in an absent or disrupted protein product. Loss-of-function variants in NF1 are known to be pathogenic (PMID: 10712197, 23913538). This variant is not present in population databases (gnomAD no frequency). This variant has not been reported in the literature in individuals affected with NF1-related conditions. For these reasons, this variant has been classified as Pathogenic.

Literature cited by the submitters: PubMed 10712197; PubMed 23913538.

NM_001042492.3(NF1):c.7292dup (p.Asn2432fs)

Gene: NF1 (neurofibromin 1; plus strand). Cytogenetic location: 17q11.2.
Variant type: Duplication.
Coding change: c.7292dup on transcript NM_001042492.3 (MANE Select); coding-DNA position 7292, one base duplicated (T; older notation c.7292dupT).
Protein change: p.Asn2432fs; shifts the reading frame from asparagine 2432.
Molecular consequence: frameshift variant.
Genome position (GRCh38, 1-based): chr17:31,349,222, T duplicated. VCF-style (leftmost placement, unchanged base first): chr17-31349221-G-GT. GRCh37 (hg19) VCF-style: chr17-29676239-G-GT.
Other names: c.7229dup, p.Asn2411Glufs (NM_000267.4); short protein forms N2411fs, N2432fs.
Identifiers: ClinVar variation 2766343 (VCV002766343.3), dbSNP rs2508801565, ClinGen allele CA2697559575.
Genomic context (GRCh38, chr17:31,349,221, plus strand): 5'-AGAATTTTACATACACTACTAACTCTGGTTAACAAACACAGAAATTGTGACAAATTTGAA[G>GT]TGAATACACAGAGCGTGGCCTACTTAGCAGGTAAAAACACAAAATAAACAAAATTAATCT-3'